The following is an entry in ClinVar:

ClinVar aggregate classification (germline): Conflicting classifications of pathogenicity. Review status: criteria provided, conflicting classifications (1 of 4 stars). 4 submissions from 4 submitters: Uncertain significance (3); Likely benign (1). Last evaluated 2025-07-30.

Conditions:
Familial meningioma. Also called: Meningioma, familial, susceptibility to. Identifiers: Orphanet 263662, MedGen C3551915, MONDO:0011789, OMIM 607174.
Hereditary cancer-predisposing syndrome. Also called: Hereditary Cancer Syndrome; Hereditary neoplastic syndrome; Tumor predisposition; Neoplastic Syndromes, Hereditary. Identifiers: Orphanet 140162, MedGen C0027672, MeSH D009386, MONDO:0015356.

Allele frequency attached by ClinVar (database versions not stated): gnomAD exomes below 0.00001; TOPMed below 0.00001.
gnomAD v4.1: 1 of 1,614,090 alleles (0.000062%); highest among the groups gnomAD compares: Non-Finnish European, 0.000085%; no homozygotes.

Submissions (4):

Labcorp Genetics (formerly Invitae), Labcorp
Classification: Uncertain significance for Familial meningioma. Last evaluated: 2025-07-30. Review status: criteria provided, single submitter. Criteria: Invitae Variant Classification Sherloc (09022015). Collection method: clinical testing. Allele origin: germline.
Comment: This sequence change replaces lysine, which is basic and polar, with arginine, which is basic and polar, at codon 298 of the SMARCE1 protein (p.Lys298Arg). This variant is not present in population databases (gnomAD no frequency). This variant has not been reported in the literature in individuals affected with SMARCE1-related conditions. ClinVar contains an entry for this variant (Variation ID: 841800). Invitae Evidence Modeling of protein sequence and biophysical properties (such as structural, functional, and spatial information, amino acid conservation, physicochemical variation, residue mobility, and thermodynamic stability) indicates that this missense variant is not expected to disrupt SMARCE1 protein function with a negative predictive value of 80%. In summary, the available evidence is currently insufficient to determine the role of this variant in disease. Therefore, it has been classified as a Variant of Uncertain Significance.

Ambry Genetics
Classification: Likely benign for Hereditary cancer-predisposing syndrome. Last evaluated: 2024-01-17. Review status: criteria provided, single submitter. Criteria: Ambry Variant Classification Scheme 2023. Collection method: clinical testing. Allele origin: germline.

Baylor Genetics
Classification: Uncertain significance for Familial meningioma. Last evaluated: 2023-12-09. Review status: criteria provided, single submitter. Criteria: ACMG Guidelines, 2015. Collection method: clinical testing. Allele origin: unknown.

GeneDx
Classification: Uncertain significance. Last evaluated: 2023-04-24. Review status: criteria provided, single submitter. Criteria: GeneDx Variant Classification Process June 2021. Collection method: clinical testing. Allele origin: germline. Affected: yes.
Comment: Not observed at significant frequency in large population cohorts (gnomAD); In silico analysis supports that this missense variant does not alter protein structure/function; Has not been previously published as pathogenic or benign to our knowledge

NM_003079.5(SMARCE1):c.893A>G (p.Lys298Arg)

Gene: SMARCE1 (SWI/SNF related BAF chromatin remodeling complex subunit E1; minus strand). Cytogenetic location: 17q21.2.
Variant type: single nucleotide variant.
Coding change: c.893A>G on transcript NM_003079.5 (MANE Select); coding-DNA position 893, A replaced by G.
Protein change: p.Lys298Arg; replaces lysine 298 with arginine.
Molecular consequence: missense variant.
Genome position (GRCh38, 1-based): chr17:40,630,848, T>C on the plus strand (A>G on the coding strand, the complement: SMARCE1 is on the minus strand). VCF-style: chr17-40630848-T-C. GRCh37 (hg19) VCF-style: chr17-38787100-T-C.
Other names: short protein forms K298R.
Identifiers: ClinVar variation 841800 (VCV000841800.14), dbSNP rs956654252, ClinGen allele CA290549122.